The following is an entry in ClinVar:

NM_000297.4(PKD2):c.959G>A (p.Arg320Gln)

Gene: PKD2 (polycystin 2, transient receptor potential cation channel; plus strand). Cytogenetic location: 4q22.1.
Variant type: single nucleotide variant.
Coding change: c.959G>A on transcript NM_000297.4 (MANE Select); coding-DNA position 959, G replaced by A.
Protein change: p.Arg320Gln; replaces arginine 320 with glutamine.
Molecular consequence: missense variant. On other transcripts: non-coding transcript variant (1).
Genome position (GRCh38, 1-based): chr4:88,038,366, G>A. VCF-style: chr4-88038366-G-A. GRCh37 (hg19) VCF-style: chr4-88959518-G-A.
Other names: short protein forms R320Q.
Identifiers: ClinVar variation 3572989 (VCV003572989.4).
Genomic context (GRCh38, chr4:88,038,366, plus strand): 5'-AGACTGAAGCTGACAACCGAAGTTTCATCTTCTATGAGAACCTGCTGTTAGGGGTTCCAC[G>A]AATACGGCAACTCCGAGTCAGAAATGGATCCTGCTCTATCCCCCAGGACTTGAGAGATGA-3'
Protein context (NP_000288.1, residues 310-330): FYENLLLGVP[Arg320Gln]IRQLRVRNGS

ClinVar aggregate classification (germline): Conflicting classifications of pathogenicity. Review status: criteria provided, conflicting classifications (1 of 4 stars). 3 submissions from 3 submitters: Likely pathogenic (1); Uncertain significance (2). Last evaluated 2025-07-27.

Conditions:
Polycystic kidney disease 2 (PKD2). Also called: POLYCYSTIC KIDNEY DISEASE 2 WITH OR WITHOUT POLYCYSTIC LIVER DISEASE; Polycystic Kidney Disease 2, Autosomal Dominant; POLYCYSTIC KIDNEY DISEASE, ADULT, TYPE II. Identifiers: MedGen C2751306, MONDO:0013131, OMIM 613095.

Submissions (3):

Victorian Clinical Genetics Services, Murdoch Childrens Research Institute
Classification: Likely pathogenic for Polycystic kidney disease 2. Last evaluated: 2025-07-27. Review status: criteria provided, single submitter. Criteria: ACMG Guidelines, 2015. Collection method: clinical testing. Allele origin: germline. Affected: yes.
Comment: This variant is classified as Likely pathogenic. Evidence in support of pathogenic classification: Variant is absent from gnomAD (v2, v3 and v4); This variant has strong previous evidence of pathogenicity in unrelated individuals. This variant has been reported in the literature in a fetus with enlarged kidneys, and their affected mother (PMID: 36307859). This variant has also been classified as a VUS by multiple clinical laboratories in ClinVar. It was detected in three individuals with polycystic kidney disease (personal correspondence - Fulgent). Another missense variant comparable to the one identified in this case has limited previous evidence for pathogenicity. p.(Arg320Leu) has been classified as likely pathogenic in an individual with polycystic kidney disease (personal correspondence VKGL-NL_Leiden). Additional information: Variant is predicted to result in a missense amino acid change from Arg to Gln; This variant is heterozygous; This gene is associated with autosomal dominant disease; No published functional evidence has been identified for this variant; Variant is located in the annotated polycystin domain (DECIPHER); Missense variant with inconclusive in silico prediction and uninformative conservation; Loss of function is a known mechanism of disease in this gene and is associated with polycystic kidney disease 2 (MIM#613095); Inheritance information for this variant is not currently available in this individual.

MVZ Martinsried, Medicover Genetics
Classification: Uncertain significance for Polycystic kidney disease 2. Last evaluated: 2024-07-01. Review status: criteria provided, single submitter. Criteria: ACGS Guidelines, 2020. Collection method: clinical testing. Allele origin: unknown. Affected: yes.

Fulgent Genetics
Classification: Uncertain significance for Polycystic kidney disease 2. Last evaluated: 2024-06-04. Review status: criteria provided, single submitter. Criteria: ACMG Guidelines, 2015. Collection method: clinical testing. Allele origin: germline.

Literature cited by the submitters: PubMed 36307859 (cited by Victorian Clinical Genetics Services, Murdoch Childrens Research Institute).